The following is an entry in ClinVar:

ClinVar aggregate classification (germline): Uncertain significance (1 of 4 stars; one submission).

Conditions:
Hereditary cancer-predisposing syndrome. Also called: Neoplastic Syndromes, Hereditary; Tumor predisposition; Hereditary Cancer Syndrome; Hereditary neoplastic syndrome. Identifiers: Orphanet 140162, MedGen C0027672, MeSH D009386, MONDO:0015356.

gnomAD v4.1: 3 of 1,614,154 alleles (0.00019%); highest among the groups gnomAD compares: African/African-American, 0.004%; no homozygotes.

Submission:

Ambry Genetics
Classification: Uncertain significance for Hereditary cancer-predisposing syndrome. Last evaluated: 2026-05-14. Review status: criteria provided, single submitter. Criteria: Ambry Variant Classification Scheme 2023. Collection method: clinical testing. Allele origin: germline.
Comment: The p.T1173K variant (also known as c.3518C>A), located in coding exon 20 of the DICER1 gene, results from a C to A substitution at nucleotide position 3518. The threonine at codon 1173 is replaced by lysine, an amino acid with similar properties. This amino acid position is conserved. In addition, this alteration is predicted to be tolerated by in silico analysis. Based on the available evidence, the clinical significance of this variant remains unclear.

NM_177438.3(DICER1):c.3518C>A (p.Thr1173Lys)

Gene: DICER1 (dicer 1, ribonuclease III; minus strand). Cytogenetic location: 14q32.13.
Variant type: single nucleotide variant.
Coding change: c.3518C>A on transcript NM_177438.3 (MANE Select); coding-DNA position 3518, C replaced by A.
Protein change: p.Thr1173Lys; replaces threonine 1173 with lysine.
Molecular consequence: missense variant. On other transcripts: non-coding transcript variant (6).
Genome position (GRCh38, 1-based): chr14:95,103,878, G>T on the plus strand (C>A on the coding strand, the complement: DICER1 is on the minus strand). VCF-style: chr14-95103878-G-T. GRCh37 (hg19) VCF-style: chr14-95570215-G-T.
Other names: c.3518C>A, p.Thr1173Lys (NM_001195573.1, NM_001271282.3, NM_001291628.2 and 12 more transcripts); c.3236C>A, p.Thr1079Lys (NM_001395686.1); c.3113C>A, p.Thr1038Lys (NM_001395687.1, NM_001395688.1, NM_001395689.1 and 2 more transcripts); c.2951C>A, p.Thr984Lys (NM_001395691.1); c.1835C>A, p.Thr612Lys (NM_001395697.1); short protein forms T1038K, T1079K, T1173K, T612K, T984K.
Identifiers: ClinVar variation 4869786 (VCV004869786.1).